The following is an entry in ClinVar:

NM_012338.4(TSPAN12):c.748T>C (p.Tyr250His)

Gene: TSPAN12 (tetraspanin 12; minus strand). Cytogenetic location: 7q31.31.
Variant type: single nucleotide variant.
Coding change: c.748T>C on transcript NM_012338.4 (MANE Select); coding-DNA position 748, T replaced by C.
Protein change: p.Tyr250His; replaces tyrosine 250 with histidine.
Molecular consequence: missense variant.
Genome position (GRCh38, 1-based): chr7:120,788,762, A>G on the plus strand (T>C on the coding strand, the complement: TSPAN12 is on the minus strand). VCF-style: chr7-120788762-A-G. GRCh37 (hg19) VCF-style: chr7-120428816-A-G.
Other names: short protein forms Y250H.
Identifiers: ClinVar variation 3700781 (VCV003700781.2).
Genomic context (GRCh38, chr7:120,788,762, plus strand): 5'-GCTGAGAGTTGTCATTCTTCAAGGACATCATTTGGTCTGTCCCCGGCTCCCTTCTATCAT[A>G]ATACAGAGCCCAGAGCAGAGTAATGGTGAGAATCATGGCCAGGATTTGTGTCACCCCAAT-3'
Protein context (NP_036470.1, residues 240-260): LTITLLWALY[Tyr250His]DRREPGTDQM

ClinVar aggregate classification (germline): Uncertain significance (1 of 4 stars; one submission).

Submission:

Labcorp Genetics (formerly Invitae), Labcorp
Classification: Uncertain significance. Last evaluated: 2024-03-20. Review status: criteria provided, single submitter. Criteria: Invitae Variant Classification Sherloc (09022015). Collection method: clinical testing. Allele origin: germline.
Comment: This sequence change replaces tyrosine, which is neutral and polar, with histidine, which is basic and polar, at codon 250 of the TSPAN12 protein (p.Tyr250His). This variant is not present in population databases (gnomAD no frequency). This variant has not been reported in the literature in individuals affected with TSPAN12-related conditions. Advanced modeling of protein sequence and biophysical properties (such as structural, functional, and spatial information, amino acid conservation, physicochemical variation, residue mobility, and thermodynamic stability) performed at Invitae indicates that this missense variant is not expected to disrupt TSPAN12 protein function with a negative predictive value of 80%. In summary, the available evidence is currently insufficient to determine the role of this variant in disease. Therefore, it has been classified as a Variant of Uncertain Significance.